The following is an entry in ClinVar:

ClinVar aggregate classification (germline): Uncertain significance (1 of 4 stars; one submission).

Allele frequency attached by ClinVar (database versions not stated): gnomAD exomes below 0.00001.
gnomAD v4.1: 1 of 1,597,436 alleles (0.000063%); highest among the groups gnomAD compares: Admixed American, 0.0017%; no homozygotes.

Submission:

Labcorp Genetics (formerly Invitae), Labcorp
Classification: Uncertain significance. Last evaluated: 2022-11-24. Review status: criteria provided, single submitter. Criteria: Invitae Variant Classification Sherloc (09022015). Collection method: clinical testing. Allele origin: germline.
Comment: Algorithms developed to predict the effect of missense changes on protein structure and function are either unavailable or do not agree on the potential impact of this missense change (SIFT: "Deleterious"; PolyPhen-2: "Probably Damaging"; Align-GVGD: "Class C15"). In summary, the available evidence is currently insufficient to determine the role of this variant in disease. Therefore, it has been classified as a Variant of Uncertain Significance. This variant has not been reported in the literature in individuals affected with ZIC4-related conditions. This variant is not present in population databases (gnomAD no frequency). This sequence change replaces proline, which is neutral and non-polar, with leucine, which is neutral and non-polar, at codon 125 of the ZIC4 protein (p.Pro125Leu).

NM_032153.6(ZIC4):c.224C>T (p.Pro75Leu)

Gene: ZIC4 (Zic family zinc finger 4; minus strand). Cytogenetic location: 3q24.
Variant type: single nucleotide variant.
Coding change: c.224C>T on transcript NM_032153.6 (MANE Select); coding-DNA position 224, C replaced by T.
Protein change: p.Pro75Leu; replaces proline 75 with leucine.
Molecular consequence: missense variant. On other transcripts: intron variant (1).
Genome position (GRCh38, 1-based): chr3:147,396,316, G>A on the plus strand (C>T on the coding strand, the complement: ZIC4 is on the minus strand). VCF-style: chr3-147396316-G-A. GRCh37 (hg19) VCF-style: chr3-147114103-G-A.
Other names: c.374C>T, p.Pro125Leu (NM_001168378.1); c.338C>T, p.Pro113Leu (NM_001168379.2); c.71-5070C>T (NM_001243256.2); short protein forms P113L, P125L, P75L.
Identifiers: ClinVar variation 2803032 (VCV002803032.3), dbSNP rs2473089010, ClinGen allele CA354893235.